The following is an entry in ClinVar:

NM_000352.6(ABCC8):c.3245C>G (p.Ser1082Cys)

Gene: ABCC8 (ATP binding cassette subfamily C member 8; minus strand). Cytogenetic location: 11p15.1.
Variant type: single nucleotide variant.
Coding change: c.3245C>G on transcript NM_000352.6 (MANE Select); coding-DNA position 3245, C replaced by G.
Protein change: p.Ser1082Cys; replaces serine 1082 with cysteine.
Molecular consequence: missense variant. On other transcripts: non-coding transcript variant (1).
Genome position (GRCh38, 1-based): chr11:17,406,706, G>C on the plus strand (C>G on the coding strand, the complement: ABCC8 is on the minus strand). VCF-style: chr11-17406706-G-C. GRCh37 (hg19) VCF-style: chr11-17428253-G-C.
Other names: c.3248C>G, p.Ser1083Cys (NM_001287174.3); c.3311C>G, p.Ser1104Cys (NM_001351295.2); c.3245C>G, p.Ser1082Cys (NM_001351296.2); c.3242C>G, p.Ser1081Cys (NM_001351297.2); short protein forms S1083C, S1082C, S1081C, S1104C.
Identifiers: ClinVar variation 4771474 (VCV004771474.1).

ClinVar aggregate classification (germline): Uncertain significance (1 of 4 stars; one submission).

Submission:

Labcorp Genetics (formerly Invitae), Labcorp
Classification: Uncertain significance. Last evaluated: 2025-11-21. Review status: criteria provided, single submitter. Criteria: Invitae Variant Classification Sherloc (09022015). Collection method: clinical testing. Allele origin: germline.
Comment: This sequence change replaces serine, which is neutral and polar, with cysteine, which is neutral and slightly polar, at codon 1082 of the ABCC8 protein (p.Ser1082Cys). This variant is not present in population databases (gnomAD no frequency). This variant has not been reported in the literature in individuals affected with ABCC8-related conditions. Invitae Evidence Modeling of protein sequence and biophysical properties (such as structural, functional, and spatial information, amino acid conservation, physicochemical variation, residue mobility, and thermodynamic stability) indicates that this missense variant is expected to disrupt ABCC8 protein function with a positive predictive value of 95%. In summary, the available evidence is currently insufficient to determine the role of this variant in disease. Therefore, it has been classified as a Variant of Uncertain Significance.